The following is an entry in ClinVar:

ClinVar aggregate classification (germline): Uncertain significance (1 of 4 stars; one submission).

Conditions:
Wilson disease (WND). Also called: Wilson's disease. Identifiers: Orphanet 905, MedGen C0019202, MONDO:0010200, OMIM 277900. Disease mechanism: loss of function.

Submission:

All of Us Research Program, National Institutes of Health
Classification: Uncertain significance for Wilson disease. Last evaluated: 2023-10-02. Review status: criteria provided, single submitter. Criteria: ACMG Guidelines, 2015. Collection method: clinical testing. Allele origin: germline. Inheritance: Autosomal recessive inheritance. Observed: 1 variant allele, 1 heterozygote.
Comment: This missense variant replaces alanine with proline at codon 1309 of the ATP7B protein. Computational prediction suggests that this variant may have deleterious impact on protein structure and function (internally defined REVEL score threshold >= 0.7, PMID: 27666373). Although functional studies have not been reported for this variant, it alters a conserved alanine residue in the phosphorylation domain of the ATP7B protein (a.a. 1004 - 1031, 1197 - 1312), a highly conserved region that is considered to be important for ATP7B protein function (PMID: 35245129; ClinVar). This variant has been reported in one individual affected with Wilson disease (PMID: 24094725). This variant has not been identified in the general population by the Genome Aggregation Database (gnomAD). The available evidence is insufficient to determine the role of this variant in disease conclusively. Therefore, this variant is classified as a Variant of Uncertain Significance.

This study involves interpretation of variants in research participants for the purpose of population health screening. Participant phenotype was not available at the time of variant classification. Additional details can be found in publication PMID: 35346344, PMCID: PMC8962531

Literature cited by the submitters: PubMed 24094725; PubMed 35245129.

NM_000053.4(ATP7B):c.3925G>C (p.Ala1309Pro)

Gene: ATP7B (ATPase copper transporting beta; minus strand). Cytogenetic location: 13q14.3.
Variant type: single nucleotide variant.
Coding change: c.3925G>C on transcript NM_000053.4 (MANE Select); coding-DNA position 3925, G replaced by C.
Protein change: p.Ala1309Pro; replaces alanine 1309 with proline.
Molecular consequence: missense variant.
Genome position (GRCh38, 1-based): chr13:51,937,372, C>G on the plus strand (G>C on the coding strand, the complement: ATP7B is on the minus strand). VCF-style: chr13-51937372-C-G. GRCh37 (hg19) VCF-style: chr13-52511508-C-G.
Other names: c.3304G>C, p.Ala1102Pro (NM_001005918.3); c.3592G>C, p.Ala1198Pro (NM_001243182.2); c.3691G>C, p.Ala1231Pro (NM_001330578.2, NM_001406527.1, NM_001406528.1); c.3673G>C, p.Ala1225Pro (NM_001330579.2, NM_001406531.1, NM_001406532.1); c.3925G>C, p.Ala1309Pro (NM_001406511.1, NM_001406512.1); c.3919G>C, p.Ala1307Pro (NM_001406513.1); c.3892G>C, p.Ala1298Pro (NM_001406514.1); c.3871G>C, p.Ala1291Pro (NM_001406515.1, NM_001406516.1); and 21 more; short protein forms A1028P, A1082P, A1093P, A1102P, A1115P, A1145P, A1147P, A1160P.
Identifiers: ClinVar variation 3073595 (VCV003073595.1), dbSNP rs2547565267, ClinGen allele CA388021198.